The following is an entry in ClinVar:

NM_004168.4(SDHA):c.89C>T (p.Thr30Ile)

Gene: SDHA (succinate dehydrogenase complex flavoprotein subunit A; plus strand). Cytogenetic location: 5p15.33.
Variant type: single nucleotide variant.
Coding change: c.89C>T on transcript NM_004168.4 (MANE Select); coding-DNA position 89, C replaced by T.
Protein change: p.Thr30Ile; replaces threonine 30 with isoleucine.
Molecular consequence: missense variant.
Genome position (GRCh38, 1-based): chr5:223,507, C>T. VCF-style: chr5-223507-C-T. GRCh37 (hg19) VCF-style: chr5-223622-C-T.
Other names: c.89C>T, p.Thr30Ile (NM_001294332.2, NM_001330758.2); short protein forms T30I.
Identifiers: ClinVar variation 577148 (VCV000577148.14), dbSNP rs1560985157, ClinGen allele CA359008115.

ClinVar aggregate classification (germline): Conflicting classifications of pathogenicity. Review status: criteria provided, conflicting classifications (1 of 4 stars). 3 submissions from 3 submitters: Uncertain significance (2); Likely benign (1). Last evaluated 2026-02-06.

Conditions:
Dilated cardiomyopathy 1GG (CMD1GG). Identifiers: Orphanet 154, MedGen C3150898, MONDO:0013339, OMIM 613642.
Mitochondrial complex II deficiency, nuclear type 1. Also called: SUCCINATE CoQ REDUCTASE DEFICIENCY. Identifiers: Orphanet 3208, MedGen C5700310, MONDO:0100294, OMIM 252011.
Pheochromocytoma/paraganglioma syndrome 5. Also called: Paragangliomas 5; SDHA-Related Hereditary Paraganglioma-Pheochromocytoma Syndrome. Identifiers: Orphanet 29072, MedGen C3279992, MONDO:0013602, OMIM 614165.
Hereditary cancer-predisposing syndrome. Also called: Neoplastic Syndromes, Hereditary; Tumor predisposition; Hereditary neoplastic syndrome; Hereditary Cancer Syndrome. Identifiers: Orphanet 140162, MedGen C0027672, MeSH D009386, MONDO:0015356.

Allele frequency attached by ClinVar (database versions not stated): TOPMed below 0.00001.

Submissions (3):

Ambry Genetics
Classification: Likely benign for Hereditary cancer-predisposing syndrome. Last evaluated: 2026-02-06. Review status: criteria provided, single submitter. Criteria: Ambry Variant Classification Scheme 2023. Collection method: clinical testing. Allele origin: germline.

Labcorp Genetics (formerly Invitae), Labcorp
Classification: Uncertain significance for Pheochromocytoma/paraganglioma syndrome 5; Mitochondrial complex II deficiency, nuclear type 1. Last evaluated: 2025-03-26. Review status: criteria provided, single submitter. Criteria: Invitae Variant Classification Sherloc (09022015). Collection method: clinical testing. Allele origin: germline.
Comment: This sequence change replaces threonine, which is neutral and polar, with isoleucine, which is neutral and non-polar, at codon 30 of the SDHA protein (p.Thr30Ile). This variant is not present in population databases (gnomAD no frequency). This variant has not been reported in the literature in individuals affected with SDHA-related conditions. ClinVar contains an entry for this variant (Variation ID: 577148). Invitae Evidence Modeling of protein sequence and biophysical properties (such as structural, functional, and spatial information, amino acid conservation, physicochemical variation, residue mobility, and thermodynamic stability) indicates that this missense variant is not expected to disrupt SDHA protein function with a negative predictive value of 95%. In summary, the available evidence is currently insufficient to determine the role of this variant in disease. Therefore, it has been classified as a Variant of Uncertain Significance.

Baylor Genetics
Classification: Uncertain significance for Dilated cardiomyopathy 1GG. Last evaluated: 2023-05-05. Review status: criteria provided, single submitter. Criteria: ACMG Guidelines, 2015. Collection method: clinical testing. Allele origin: unknown.